The following is an entry in ClinVar:

NM_004667.6(HERC2):c.8734C>T (p.Arg2912Trp)

Gene: HERC2 (HECT and RLD domain containing E3 ubiquitin protein ligase 2; minus strand). Cytogenetic location: 15q13.1.
Variant type: single nucleotide variant.
Coding change: c.8734C>T on transcript NM_004667.6 (MANE Select); coding-DNA position 8734, C replaced by T.
Protein change: p.Arg2912Trp; replaces arginine 2912 with tryptophan.
Molecular consequence: missense variant.
Genome position (GRCh38, 1-based): chr15:28,186,668, G>A on the plus strand (C>T on the coding strand, the complement: HERC2 is on the minus strand). VCF-style: chr15-28186668-G-A. GRCh37 (hg19) VCF-style: chr15-28431814-G-A.
Other names: c.8734C>T (NM_004667.4); short protein forms R2912W.
Identifiers: ClinVar variation 2444572 (VCV002444572.2), dbSNP rs748634836, ClinGen allele CA7441394.

ClinVar aggregate classification (germline): Uncertain significance. Review status: criteria provided, multiple submitters, no conflicts (2 of 4 stars). 2 submissions from 2 submitters: Uncertain significance (2). Last evaluated 2025-10-02.

Conditions:
Inborn genetic diseases. Identifiers: MedGen C0950123, MeSH D030342.

Allele frequency attached by ClinVar (database versions not stated): TOPMed 0.00005; gnomAD 0.00009; ExAC 0.00007.
gnomAD v4.1: 82 of 1,613,788 alleles (0.0051%); highest among the groups gnomAD compares: Admixed American, 0.01%; no homozygotes.

Submissions (2):

Ambry Genetics
Classification: Uncertain significance for Inborn genetic diseases. Last evaluated: 2025-10-02. Review status: criteria provided, single submitter. Criteria: Ambry Variant Classification Scheme 2023. Collection method: clinical testing. Allele origin: germline.

GeneDx
Classification: Uncertain significance. Last evaluated: 2022-09-20. Review status: criteria provided, single submitter. Criteria: GeneDx Variant Classification Process June 2021. Collection method: clinical testing. Allele origin: germline. Affected: yes.
Comment: In silico analysis supports that this missense variant has a deleterious effect on protein structure/function; Has not been previously published as pathogenic or benign to our knowledge